The following is an entry in ClinVar:

NM_001999.4(FBN2):c.6512-2A>G

Gene: FBN2 (fibrillin 2; minus strand). Cytogenetic location: 5q23.3.
Variant type: single nucleotide variant.
Coding change: c.6512-2A>G on transcript NM_001999.4 (MANE Select); the canonical splice acceptor site of the intron before coding-DNA position 6512, A replaced by G.
Molecular consequence: splice acceptor variant.
Genome position (GRCh38, 1-based): chr5:128,289,254, T>C on the plus strand (A>G on the coding strand, the complement: FBN2 is on the minus strand). VCF-style: chr5-128289254-T-C. GRCh37 (hg19) VCF-style: chr5-127624946-T-C.
Identifiers: ClinVar variation 213345 (VCV000213345.10), dbSNP rs863223580, ClinGen allele CA322905.

ClinVar aggregate classification (germline): Uncertain significance. Review status: criteria provided, multiple submitters, no conflicts (2 of 4 stars). 3 submissions from 3 submitters: Uncertain significance (3). Last evaluated 2025-07-24.

Conditions:
Familial thoracic aortic aneurysm and aortic dissection (TAAD). Also called: Thoracic aortic aneurysms and dissections. Identifiers: Orphanet 91387, MedGen C4707243, MONDO:0019625.
Congenital contractural arachnodactyly (CCA). Also called: Beals-Hecht syndrome; BEALS SYNDROME; Arthrogryposis, distal, type 9. Identifiers: Orphanet 115, MedGen C0220668, MONDO:0007363, OMIM 121050.

Allele frequency attached by ClinVar (database versions not stated): gnomAD exomes below 0.00001.
gnomAD v4.1: 1 of 1,613,790 alleles (0.000062%); highest among the groups gnomAD compares: Non-Finnish European, 0.000085%; no homozygotes.

Submissions (3):

Labcorp Genetics (formerly Invitae), Labcorp
Classification: Uncertain significance for Congenital contractural arachnodactyly. Last evaluated: 2025-07-24. Review status: criteria provided, single submitter. Criteria: Invitae Variant Classification Sherloc (09022015). Collection method: clinical testing. Allele origin: germline.
Comment: This sequence change affects an acceptor splice site in intron 51 of the FBN2 gene. It is expected to disrupt RNA splicing. Variants that disrupt the donor or acceptor splice site typically lead to a loss of protein function (PMID: 16199547), however the current clinical and genetic evidence is not sufficient to establish whether loss-of-function variants in FBN2 cause disease. This variant is not present in population databases (gnomAD no frequency). This variant has not been reported in the literature in individuals affected with FBN2-related conditions. ClinVar contains an entry for this variant (Variation ID: 213345). Algorithms developed to predict the effect of sequence changes on RNA splicing suggest that this variant may disrupt the consensus splice site. In summary, the available evidence is currently insufficient to determine the role of this variant in disease. Therefore, it has been classified as a Variant of Uncertain Significance.

GeneDx
Classification: Uncertain significance. Last evaluated: 2025-07-14. Review status: criteria provided, single submitter. Criteria: GeneDx Variant Classification Process June 2021. Collection method: clinical testing. Allele origin: germline. Affected: yes.
Comment: Has not been previously published as pathogenic or benign to our knowledge; Not observed at significant frequency in large population cohorts (gnomAD); Canonical splice site variant with an unclear effect on protein function

Ambry Genetics
Classification: Uncertain significance for Familial thoracic aortic aneurysm and aortic dissection. Last evaluated: 2022-06-01. Review status: criteria provided, single submitter. Criteria: Ambry Variant Classification Scheme 2023. Collection method: clinical testing. Allele origin: germline.
Comment: The c.6512-2A>G intronic variant results from an A to G substitution two nucleotides upstream from coding exon 52 in the FBN2 gene. This nucleotide position is highly conserved in available vertebrate species. In silico splice site analysis predicts that this alteration will weaken the native splice acceptor site. Alterations that disrupt the canonical splice site are expected to cause aberrant splicing, resulting in an abnormal protein or a transcript that is subject to nonsense-mediated mRNA decay. However, loss of function of FBN2 has not been clearly established as a mechanism of disease. Since supporting evidence is limited at this time, the clinical significance of this alteration remains unclear.

Literature cited by the submitters: PubMed 16199547 (cited by Labcorp Genetics (formerly Invitae), Labcorp).